The following is an entry in ClinVar:

NM_033380.3(COL4A5):c.3262C>T (p.Pro1088Ser)

Gene: COL4A5 (collagen type IV alpha 5 chain; plus strand). Cytogenetic location: Xq22.3.
Variant type: single nucleotide variant.
Coding change: c.3262C>T on transcript NM_033380.3 (MANE Select); coding-DNA position 3262, C replaced by T.
Protein change: p.Pro1088Ser; replaces proline 1088 with serine.
Molecular consequence: missense variant.
Genome position (GRCh38, 1-based): chrX:108,655,346, C>T. VCF-style: chrX-108655346-C-T. GRCh37 (hg19) VCF-style: chrX-107898576-C-T.
Other names: c.3262C>T, p.Pro1088Ser (NM_000495.5); c.3262C>T (NM_000495.3); short protein forms P1088S.
Identifiers: ClinVar variation 988182 (VCV000988182.2), dbSNP rs2067818149, ClinGen allele CA413857224.

ClinVar aggregate classification (germline): Uncertain significance. Review status: criteria provided, single submitter (1 of 4 stars). 2 submissions from 2 submitters: Uncertain significance (1). 1 of the submissions does not count toward it. Last evaluated 2026-06-04.

Conditions:
Inborn genetic diseases. Identifiers: MedGen C0950123, MeSH D030342.
Nephrotic syndrome. Identifiers: MedGen C0027726, MONDO:0005377, HP:0000100.

Allele frequency attached by ClinVar (database versions not stated): gnomAD exomes below 0.00001.
gnomAD v4.1: 1 of 1,210,115 alleles (0.000083%); highest among the groups gnomAD compares: Non-Finnish European, 0.00011%; no homozygotes.

Submissions (2):

Ambry Genetics
Classification: Uncertain significance for Inborn genetic diseases. Last evaluated: 2026-06-04. Review status: criteria provided, single submitter. Criteria: Ambry Variant Classification Scheme 2023. Collection method: clinical testing. Allele origin: germline.

Sydney Genome Diagnostics, Children's Hospital Westmead
Classification: Uncertain significance for Nephrotic syndrome. Last evaluated: 2018-05-30. Review status: no assertion criteria provided. Collection method: clinical testing. Allele origin: unknown. Affected: yes. Observed: 1 variant allele, 1 heterozygote. Not counted in ClinVar's aggregate classification.
Comment: To our knowledge, this variant has not been previously reported to be a disease causing variant and it has not been reported in the ExAC allele frequency database. p.Pro1088 is in the collagen triple helix repeat domain and is a moderately conserved amino acid (up to 12 species). In silico analysis (Alamut Visual v2.8) is inconclusive regarding this variant; SIFT predicts this variant to be benign whereas PolyPhen2 and Mutation Taster suggest that this variant is likely to be pathogenic. This variant is considered to be a VOUS according to the ACMG guidelines.